The following is an entry in ClinVar:

ClinVar aggregate classification (germline): Conflicting classifications of pathogenicity. Review status: criteria provided, conflicting classifications (1 of 4 stars). 3 submissions from 3 submitters: Uncertain significance (1); Likely benign (1). 1 of the submissions does not count toward it. Last evaluated 2026-02-01.

Conditions:
IFT140-related disorder. Also called: IFT140-related condition.
Saldino-Mainzer syndrome (SRTD9). Also called: Renal dysplasia, retinal pigmentary dystrophy, cerebellar ataxia and skeletal dysplasia; SHORT-RIB THORACIC DYSPLASIA 9 WITHOUT POLYDACTYLY; CONORENAL SYNDROME; short-rib thoracic dysplasia 9 with or without polydactyly. Identifiers: Orphanet 140969, MedGen C1849437, MONDO:0009964, OMIM 266920.

Allele frequency attached by ClinVar (database versions not stated): ExAC 0.00002; gnomAD exomes 0.00003; TOPMed 0.00003; gnomAD 0.00005; ESP Exome Variant Server 0.00008.
gnomAD v4.1: 50 of 1,613,986 alleles (0.0031%); highest among the groups gnomAD compares: African/African-American, 0.012%; no homozygotes.

Submissions (3):

Labcorp Genetics (formerly Invitae), Labcorp
Classification: Likely benign for Saldino-Mainzer syndrome. Last evaluated: 2026-02-01. Review status: criteria provided, single submitter. Criteria: Invitae Variant Classification Sherloc (09022015). Collection method: clinical testing. Allele origin: germline.

Blueprint Genetics
Classification: Uncertain significance. Last evaluated: 2024-08-26. Review status: criteria provided, single submitter. Criteria: ACMG Guidelines, 2015. Collection method: clinical testing. Allele origin: germline.

PreventionGenetics, part of Exact Sciences
Classification: Uncertain significance for IFT140-related condition. Last evaluated: 2024-09-03. Review status: no assertion criteria provided. Collection method: clinical testing. Allele origin: germline. Not counted in ClinVar's aggregate classification.
Comment: The IFT140 c.695C>T variant is predicted to result in the amino acid substitution p.Thr232Met. To our knowledge, this variant has not been reported in the literature. This variant is reported in 0.0080% of alleles in individuals of African descent in gnomAD. At this time, the clinical significance of this variant is uncertain due to the absence of conclusive functional and genetic evidence.

NM_014714.4(IFT140):c.695C>T (p.Thr232Met)

Genes: IFT140 (intraflagellar transport 140; minus strand), LOC105371046 (uncharacterized LOC105371046; plus strand). Cytogenetic location: 16p13.3.
Variant type: single nucleotide variant.
Coding change: c.695C>T on transcript NM_014714.4 (MANE Select); coding-DNA position 695, C replaced by T.
Protein change: p.Thr232Met; replaces threonine 232 with methionine.
Molecular consequence: missense variant.
Genome position (GRCh38, 1-based): chr16:1,589,720, G>A on the plus strand (C>T on the coding strand, the complement: IFT140 is on the minus strand). VCF-style: chr16-1589720-G-A. GRCh37 (hg19) VCF-style: chr16-1639721-G-A.
Other names: c.695C>T (NM_014714.3); short protein forms T232M.
Identifiers: ClinVar variation 1023451 (VCV001023451.10), dbSNP rs373258796, ClinGen allele CA7814603.